The following is an entry in ClinVar:

ClinVar aggregate classification (germline): Uncertain significance (1 of 4 stars; one submission).

Allele frequency attached by ClinVar (database versions not stated): gnomAD 0.00002 and 0.00003; ExAC 0.00003; gnomAD exomes 0.00003; TOPMed 0.00003.

Submission:

Labcorp Genetics (formerly Invitae), Labcorp
Classification: Uncertain significance. Last evaluated: 2025-09-08. Review status: criteria provided, single submitter. Criteria: Invitae Variant Classification Sherloc (09022015). Collection method: clinical testing. Allele origin: germline.
Comment: This sequence change replaces arginine, which is basic and polar, with histidine, which is basic and polar, at codon 729 of the PTPN23 protein (p.Arg729His). The frequency data for this variant in the population databases is considered unreliable, as metrics indicate poor data quality at this position in the gnomAD database. This variant has not been reported in the literature in individuals affected with PTPN23-related conditions. ClinVar contains an entry for this variant (Variation ID: 1348370). Experimental studies and prediction algorithms are not available or were not evaluated, and the functional significance of this variant is currently unknown. In summary, the available evidence is currently insufficient to determine the role of this variant in disease. Therefore, it has been classified as a Variant of Uncertain Significance.

NM_015466.4(PTPN23):c.2186G>A (p.Arg729His)

Gene: PTPN23 (protein tyrosine phosphatase non-receptor type 23; plus strand). Cytogenetic location: 3p21.31.
Variant type: single nucleotide variant.
Coding change: c.2186G>A on transcript NM_015466.4 (MANE Select); coding-DNA position 2186, G replaced by A.
Protein change: p.Arg729His; replaces arginine 729 with histidine.
Molecular consequence: missense variant.
Genome position (GRCh38, 1-based): chr3:47,409,984, G>A. VCF-style: chr3-47409984-G-A. GRCh37 (hg19) VCF-style: chr3-47451474-G-A.
Other names: c.1808G>A, p.Arg603His (NM_001304482.2); short protein forms R729H, R603H.
Identifiers: ClinVar variation 1348370 (VCV001348370.8), dbSNP rs772659124, ClinGen allele CA2365967.